The following is an entry in ClinVar:

ClinVar aggregate classification (germline): Uncertain significance. Review status: criteria provided, multiple submitters, no conflicts (2 of 4 stars). 3 submissions from 3 submitters: Uncertain significance (3). Last evaluated 2026-01-07.

Conditions:
Combined immunodeficiency due to DOCK8 deficiency (HIES2). Also called: Hyper-IgE recurrent infection syndrome, autosomal recessive; HYPER-IgE RECURRENT INFECTION SYNDROME 2, AUTOSOMAL RECESSIVE; HYPER-IgE SYNDROME 2, AUTOSOMAL RECESSIVE, WITH RECURRENT INFECTIONS; DOCK8 Deficiency; HIES autosomal recessive. Identifiers: Orphanet 217390, MedGen C4722305, MONDO:0009478, OMIM 243700.

Allele frequency attached by ClinVar (database versions not stated): gnomAD exomes below 0.00001; ExAC 0.00001; gnomAD 0.00001.
gnomAD v4.1: 7 of 1,613,906 alleles (0.00043%); highest among the groups gnomAD compares: Non-Finnish European, 0.00059%; no homozygotes.

Submissions (3):

Labcorp Genetics (formerly Invitae), Labcorp
Classification: Uncertain significance for Combined immunodeficiency due to DOCK8 deficiency. Last evaluated: 2026-01-07. Review status: criteria provided, single submitter. Criteria: Invitae Variant Classification Sherloc (09022015). Collection method: clinical testing. Allele origin: germline.
Comment: This sequence change replaces leucine, which is neutral and non-polar, with methionine, which is neutral and non-polar, at codon 91 of the DOCK8 protein (p.Leu91Met). This variant is present in population databases (rs763563493, gnomAD 0.0009%). This variant has not been reported in the literature in individuals affected with DOCK8-related conditions. ClinVar contains an entry for this variant (Variation ID: 1309465). Invitae Evidence Modeling of protein sequence and biophysical properties (such as structural, functional, and spatial information, amino acid conservation, physicochemical variation, residue mobility, and thermodynamic stability) indicates that this missense variant is not expected to disrupt DOCK8 protein function with a negative predictive value of 80%. In summary, the available evidence is currently insufficient to determine the role of this variant in disease. Therefore, it has been classified as a Variant of Uncertain Significance.

Blueprint Genetics
Classification: Uncertain significance. Last evaluated: 2021-03-09. Review status: criteria provided, single submitter. Criteria: ACMG Guidelines, 2015. Collection method: clinical testing. Allele origin: germline.

GeneDx
Classification: Uncertain significance. Last evaluated: 2019-10-24. Review status: criteria provided, single submitter. Criteria: GeneDx Variant Classification Process June 2021. Collection method: clinical testing. Allele origin: germline. Affected: yes.
Comment: Not observed at a significant frequency in large population cohorts (Lek et al., 2016); In silico analysis, which includes protein predictors and evolutionary conservation, supports that this variant does not alter protein structure/function; Has not been previously published as pathogenic or benign to our knowledge

NM_203447.4(DOCK8):c.271T>A (p.Leu91Met)

Genes: DOCK8 (dedicator of cytokinesis 8; plus strand), LOC126860552 (BRD4-independent group 4 enhancer GRCh37_chr9:285795-286994; plus strand). Cytogenetic location: 9p24.3.
Variant type: single nucleotide variant.
Coding change: c.271T>A on transcript NM_203447.4 (MANE Select); coding-DNA position 271, T replaced by A.
Protein change: p.Leu91Met; replaces leucine 91 with methionine.
Molecular consequence: missense variant.
Genome position (GRCh38, 1-based): chr9:286,575, T>A. VCF-style: chr9-286575-T-A. GRCh37 (hg19) VCF-style: chr9-286575-T-A.
Other names: c.67T>A, p.Leu23Met (NM_001190458.2, NM_001193536.2); short protein forms L23M, L91M.
Identifiers: ClinVar variation 1309465 (VCV001309465.4), dbSNP rs763563493, ClinGen allele CA4957149.
Genomic context (GRCh38, chr9:286,575, plus strand): 5'-CACCTGAACAGCCTGGATGTGCAGCTTGCCCAGGAGCTCGGGGACTTCACTGATGACGAC[T>A]TGGACGTGGTGTTCACGCCAAAGGAATGTAGGACTTTGCAGCCCTCTTTGCCGGAGGAAG-3'
Protein context (NP_982272.2, residues 81-101): QELGDFTDDD[Leu91Met]DVVFTPKECR